The following is an entry in ClinVar:

NM_001009944.3(PKD1):c.7215G>T (p.Trp2405Cys)

Genes: MIR6511B1 (microRNA 6511b-1; minus strand), PKD1 (polycystin 1, transient receptor potential channel interacting; minus strand). Cytogenetic location: 16p13.3.
Variant type: single nucleotide variant.
Coding change: c.7215G>T on transcript NM_001009944.3 (MANE Select); coding-DNA position 7215, G replaced by T.
Protein change: p.Trp2405Cys; replaces tryptophan 2405 with cysteine.
Molecular consequence: missense variant. On other transcripts: non-coding transcript variant (1).
Genome position (GRCh38, 1-based): chr16:2,106,672, C>A on the plus strand (G>T on the coding strand, the complement: PKD1 is on the minus strand). VCF-style: chr16-2106672-C-A. GRCh37 (hg19) VCF-style: chr16-2156673-C-A.
Other names: c.7215G>T, p.Trp2405Cys (NM_000296.4); short protein forms W2405C.
Identifiers: ClinVar variation 873380 (VCV000873380.1), dbSNP rs2092347343, ClinGen allele CA394371283.

ClinVar aggregate classification (germline): Likely pathogenic (1 of 4 stars; one submission).

Conditions:
Polycystic kidney disease, adult type (PKD1). Also called: POLYCYSTIC KIDNEY DISEASE 1 WITH OR WITHOUT POLYCYSTIC LIVER DISEASE; Polycystic Kidney Disease 1, Autosomal Dominant; Polycystic kidney disease 1; Polycystic kidney disease 1, severe; Polycystic Kidney, Autosomal Dominant; POLYCYSTIC KIDNEY DISEASE, ADULT, TYPE I. Identifiers: MedGen C3149841, MONDO:0008263, OMIM 173900.

Submission:

Cavalleri Lab, Royal College of Surgeons in Ireland
Classification: Likely pathogenic for Polycystic kidney disease, adult type. Last evaluated: 2020-02-05. Review status: criteria provided, single submitter. Criteria: ACMG Guidelines, 2015. Collection method: research. Allele origin: unknown. Inheritance: Autosomal dominant inheritance. Affected: yes.
Comment: PM2, PM5, PP3, PP4